The following is an entry in ClinVar:

NM_005591.4(MRE11):c.1552G>T (p.Glu518Ter)

Gene: MRE11 (MRE11 double strand break repair nuclease; minus strand). Cytogenetic location: 11q21.
Variant type: single nucleotide variant.
Coding change: c.1552G>T on transcript NM_005591.4 (MANE Select); coding-DNA position 1552, G replaced by T.
Protein change: p.Glu518Ter; replaces glutamic acid 518 with a stop codon.
Molecular consequence: nonsense.
Genome position (GRCh38, 1-based): chr11:94,456,287, C>A on the plus strand (G>T on the coding strand, the complement: MRE11 is on the minus strand). VCF-style: chr11-94456287-C-A. GRCh37 (hg19) VCF-style: chr11-94189453-C-A.
Other names: c.1552G>T, p.Glu518Ter (NM_001330347.2, NM_005590.4); short protein forms E518*.
Identifiers: ClinVar variation 1800380 (VCV001800380.2), dbSNP rs2496360541, ClinGen allele CA382370684.

ClinVar aggregate classification (germline): Pathogenic (1 of 4 stars; one submission).

Conditions:
Hereditary cancer-predisposing syndrome. Also called: Neoplastic Syndromes, Hereditary; Tumor predisposition; Hereditary Cancer Syndrome; Hereditary neoplastic syndrome. Identifiers: Orphanet 140162, MedGen C0027672, MeSH D009386, MONDO:0015356.

Submission:

Ambry Genetics
Classification: Pathogenic for Hereditary cancer-predisposing syndrome. Last evaluated: 2018-05-31. Review status: criteria provided, single submitter. Criteria: Ambry Variant Classification Scheme 2023. Collection method: clinical testing. Allele origin: germline.
Comment: The p.E518* pathogenic mutation (also known as c.1552G>T), located in coding exon 13 of the MRE11A gene, results from a G to T substitution at nucleotide position 1552. This changes the amino acid from a glutamic acid to a stop codon within coding exon 13. This alteration is expected to result in loss of function by premature protein truncation or nonsense-mediated mRNA decay. As such, this alteration is interpreted as a disease-causing mutation.